The following is an entry in ClinVar:

ClinVar aggregate classification (germline): Uncertain significance (1 of 4 stars; one submission).

Conditions:
Hereditary cancer-predisposing syndrome. Also called: Hereditary Cancer Syndrome; Hereditary neoplastic syndrome; Neoplastic Syndromes, Hereditary; Tumor predisposition. Identifiers: Orphanet 140162, MedGen C0027672, MeSH D009386, MONDO:0015356.

Submission:

Ambry Genetics
Classification: Uncertain significance for Hereditary cancer-predisposing syndrome. Last evaluated: 2021-07-29. Review status: criteria provided, single submitter. Criteria: Ambry Variant Classification Scheme 2023. Collection method: clinical testing. Allele origin: germline.
Comment: The p.K47N variant (also known as c.141A>C), located in coding exon 1 of the AXIN2 gene, results from an A to C substitution at nucleotide position 141. The lysine at codon 47 is replaced by asparagine, an amino acid with similar properties. This amino acid position is conserved. In addition, this alteration is predicted to be tolerated by in silico analysis. Since supporting evidence is limited at this time, the clinical significance of this alteration remains unclear.

NM_004655.4(AXIN2):c.141A>C (p.Lys47Asn)

Gene: AXIN2 (axin 2; minus strand). Cytogenetic location: 17q24.1.
Variant type: single nucleotide variant.
Coding change: c.141A>C on transcript NM_004655.4 (MANE Select); coding-DNA position 141, A replaced by C.
Protein change: p.Lys47Asn; replaces lysine 47 with asparagine.
Molecular consequence: missense variant.
Genome position (GRCh38, 1-based): chr17:65,558,480, T>G on the plus strand (A>C on the coding strand, the complement: AXIN2 is on the minus strand). VCF-style: chr17-65558480-T-G. GRCh37 (hg19) VCF-style: chr17-63554598-T-G.
Other names: c.141A>C, p.Lys47Asn (NM_001363813.1); short protein forms K47N.
Identifiers: ClinVar variation 1772208 (VCV001772208.2), dbSNP rs2544254788, ClinGen allele CA400682055.